The following is an entry in ClinVar:

NM_021828.5(HPSE2):c.273C>A (p.Gly91=)

Gene: HPSE2 (heparanase 2 (inactive); minus strand). Cytogenetic location: 10q24.2.
Variant type: single nucleotide variant.
Coding change: c.273C>A on transcript NM_021828.5 (MANE Select); coding-DNA position 273, C replaced by A.
Protein change: p.Gly91=; no amino-acid change (glycine 91 retained).
Molecular consequence: synonymous variant.
Genome position (GRCh38, 1-based): chr10:99,235,530, G>T on the plus strand (C>A on the coding strand, the complement: HPSE2 is on the minus strand). VCF-style: chr10-99235530-G-T. GRCh37 (hg19) VCF-style: chr10-100995287-G-T.
Other names: p.Gly91=; c.273C>A, p.Gly91= (NM_001166244.1, NM_001166245.1, NM_001166246.1).
Identifiers: ClinVar variation 730903 (VCV000730903.10), dbSNP rs115042847, ClinGen allele CA5640039.
Genomic context (GRCh38, chr10:99,235,530, plus strand): 5'-TTACTAAAAAATTTTAAATGATCCATCGAAACCCCTGCCTTACCTTAGGAAATCGAGCCA[G>T]CCATCATGAATGATGGACGGATCCAGCTGCAGAGAGAGGAAGTTCTCATTGACTGTCCTG-3'
Protein context (NP_068600.4, residues 81-101): LQLDPSIIHD[Gly91=]WLDFLSSKRL

ClinVar aggregate classification (germline): Benign/Likely benign. Review status: criteria provided, multiple submitters, no conflicts (2 of 4 stars). 3 submissions from 3 submitters: Benign (1); Likely benign (2). Last evaluated 2025-10-09.

Conditions:
Urofacial syndrome type 1. Also called: HPSE2-Related Urofacial Syndrome. Identifiers: Orphanet 2704, MedGen CN033872, MONDO:0009368, OMIM 236730.

Allele frequency attached by ClinVar (database versions not stated): gnomAD 0.00156; ESP Exome Variant Server 0.00185; TOPMed 0.00188; 1000 Genomes Project 0.00280; 1000 Genomes Project 30x 0.00281.
gnomAD v4.1: 536 of 1,614,108 alleles (0.033%); highest among the groups gnomAD compares: African/African-American, 0.66%; 1 homozygote.

Submissions (3):

Labcorp Genetics (formerly Invitae), Labcorp
Classification: Benign. Last evaluated: 2025-10-09. Review status: criteria provided, single submitter. Criteria: Invitae Variant Classification Sherloc (09022015). Collection method: clinical testing. Allele origin: germline.

Mayo Clinic Laboratories, Mayo Clinic
Classification: Likely benign. Last evaluated: 2025-09-18. Review status: criteria provided, single submitter. Criteria: ACMG Guidelines, 2015. Collection method: clinical testing. Allele origin: germline. Observed: 1 variant allele.
Comment: BP4, BP7

Fulgent Genetics
Classification: Likely benign for Urofacial syndrome type 1. Last evaluated: 2021-10-11. Review status: criteria provided, single submitter. Criteria: ACMG Guidelines, 2015. Collection method: clinical testing. Allele origin: unknown.